The following is an entry in ClinVar:

NM_020971.3(SPTBN4):c.70C>T (p.Arg24Cys)

Gene: SPTBN4 (spectrin beta, non-erythrocytic 4; plus strand). Cytogenetic location: 19q13.2.
Variant type: single nucleotide variant.
Coding change: c.70C>T on transcript NM_020971.3 (MANE Select); coding-DNA position 70, C replaced by T.
Protein change: p.Arg24Cys; replaces arginine 24 with cysteine.
Molecular consequence: missense variant.
Genome position (GRCh38, 1-based): chr19:40,472,691, C>T. VCF-style: chr19-40472691-C-T. GRCh37 (hg19) VCF-style: chr19-40978598-C-T.
Other names: short protein forms R24C.
Identifiers: ClinVar variation 4883679 (VCV004883679.2).

ClinVar aggregate classification (germline): Uncertain significance (1 of 4 stars; one submission).

Conditions:
Neurodevelopmental disorder with hypotonia, neuropathy, and deafness (NEDHND). Also called: Myopathy, congenital, with neuropathy and deafness; SPTBN4 Disorder. Identifiers: MedGen C4479603, MONDO:0060496, OMIM 617519.

gnomAD v4.1: 59 of 1,613,570 alleles (0.0037%); highest among the groups gnomAD compares: Admixed American, 0.0067%; no homozygotes.

Submission:

Dasa
Classification: Uncertain significance for Neurodevelopmental disorder with hypotonia, neuropathy, and deafness. Last evaluated: 2025-04-29. Review status: criteria provided, single submitter. Criteria: DASA Assertion Criteria. Collection method: clinical testing. Allele origin: germline.
Comment: NM_020971.3(SPTBN4):c.70C>T (p.Arg24Cys) is a missense variant that results in the substitution of arginine with cysteine. This variant has been observed in affected individuals with SPTBN4-related disorders. Also, this variant is rare in population databases. The currently available literature and clinical evidence are not sufficient to establish a definitive association between this variant and the reported condition. Therefore, this variant is classified as a variant of uncertain significance.